The following is an entry in ClinVar:

NM_007325.5(GRIA3):c.5C>T (p.Ala2Val)

Gene: GRIA3 (glutamate ionotropic receptor AMPA type subunit 3; plus strand). Cytogenetic location: Xq25.
Variant type: single nucleotide variant.
Coding change: c.5C>T on transcript NM_007325.5 (MANE Select); coding-DNA position 5, C replaced by T.
Protein change: p.Ala2Val; replaces alanine 2 with valine.
Molecular consequence: missense variant.
Genome position (GRCh38, 1-based): chrX:123,184,540, C>T. VCF-style: chrX-123184540-C-T. GRCh37 (hg19) VCF-style: chrX-122318392-C-T.
Other names: c.5C>T, p.Ala2Val (NM_000828.5, NM_001256743.2); short protein forms A2V.
Identifiers: ClinVar variation 3726889 (VCV003726889.2).

ClinVar aggregate classification (germline): Uncertain significance (1 of 4 stars; one submission).

gnomAD v4.1: 1 of 1,203,834 alleles (0.000083%); highest among the groups gnomAD compares: South Asian, 0.0018%; no homozygotes.

Submission:

Labcorp Genetics (formerly Invitae), Labcorp
Classification: Uncertain significance. Last evaluated: 2025-02-18. Review status: criteria provided, single submitter. Criteria: Invitae Variant Classification Sherloc (09022015). Collection method: clinical testing. Allele origin: germline.
Comment: This sequence change replaces alanine, which is neutral and non-polar, with valine, which is neutral and non-polar, at codon 2 of the GRIA3 protein (p.Ala2Val). This variant is present in population databases (no rsID available, gnomAD 0.005%). This variant has not been reported in the literature in individuals affected with GRIA3-related conditions. Experimental studies and prediction algorithms are not available or were not evaluated, and the functional significance of this variant is currently unknown. In summary, the available evidence is currently insufficient to determine the role of this variant in disease. Therefore, it has been classified as a Variant of Uncertain Significance.